The following is an entry in ClinVar:

NM_000053.4(ATP7B):c.*190C>A

Gene: ATP7B (ATPase copper transporting beta; minus strand). Cytogenetic location: 13q14.3.
Variant type: single nucleotide variant.
Coding change: c.*190C>A on transcript NM_000053.4 (MANE Select); 190 bases downstream of the stop codon, C replaced by A.
Molecular consequence: 3 prime UTR variant.
Genome position (GRCh38, 1-based): chr13:51,934,566, G>T on the plus strand (C>A on the coding strand, the complement: ATP7B is on the minus strand). VCF-style: chr13-51934566-G-T. GRCh37 (hg19) VCF-style: chr13-52508702-G-T.
Other names: c.*190C>A (NM_001005918.3, NM_001243182.2, NM_001330578.2 and 1 more transcripts).
Identifiers: ClinVar variation 312374 (VCV000312374.8), dbSNP rs115420019, ClinGen allele CA10644739.

ClinVar aggregate classification (germline): Benign. Review status: criteria provided, multiple submitters, no conflicts (2 of 4 stars). 2 submissions from 2 submitters: Benign (2). Last evaluated 2018-06-14.

Conditions:
Wilson disease (WND). Also called: Wilson's disease. Identifiers: Orphanet 905, MedGen C0019202, MONDO:0010200, OMIM 277900. Disease mechanism: loss of function.

Allele frequency attached by ClinVar (database versions not stated): gnomAD 0.03241; TOPMed 0.03397; 1000 Genomes Project 0.03435; 1000 Genomes Project 30x 0.03748.
gnomAD v4.1: 8,060 of 897,720 alleles (0.9%); highest among the groups gnomAD compares: African/African-American, 11%; 385 homozygotes.

Submissions (2):

GeneDx
Classification: Benign. Last evaluated: 2018-06-14. Review status: criteria provided, single submitter. Criteria: GeneDx Variant Classification Process June 2021. Collection method: clinical testing. Allele origin: germline. Affected: yes.

Illumina Laboratory Services, Illumina
Classification: Benign for Wilson disease. Last evaluated: 2018-01-13. Review status: criteria provided, single submitter. Criteria: ICSL Variant Classification Criteria 13 December 2019. Collection method: clinical testing. Allele origin: germline.
Comment: This variant was observed in the ICSL laboratory as part of a predisposition screen in an ostensibly healthy population. It had not been previously curated by ICSL or reported in the Human Gene Mutation Database (HGMD: prior to June 1st, 2018), and was therefore a candidate for classification through an automated scoring system. Utilizing variant allele frequency, disease prevalence and penetrance estimates, and inheritance mode, an automated score was calculated to assess if this variant is too frequent to cause the disease. Based on the score and internal cut-off values, a variant classified as benign is not then subjected to further curation. The score for this variant resulted in a classification of benign for this disease.